The following is an entry in ClinVar:

NM_000018.4(ACADVL):c.1276G>A (p.Ala426Thr)

Gene: ACADVL (acyl-CoA dehydrogenase very long chain; plus strand). Cytogenetic location: 17p13.1.
Variant type: single nucleotide variant.
Coding change: c.1276G>A on transcript NM_000018.4 (MANE Select); coding-DNA position 1276, G replaced by A.
Protein change: p.Ala426Thr; replaces alanine 426 with threonine.
Molecular consequence: missense variant.
Genome position (GRCh38, 1-based): chr17:7,223,819, G>A. VCF-style: chr17-7223819-G-A. GRCh37 (hg19) VCF-style: chr17-7127138-G-A.
Other names: c.1210G>A, p.Ala404Thr (NM_001033859.3); c.1345G>A, p.Ala449Thr (NM_001270447.2); c.1048G>A, p.Ala350Thr (NM_001270448.2); short protein forms A404T, A426T, A350T, A449T.
Identifiers: ClinVar variation 660045 (VCV000660045.11), dbSNP rs1419478766, ClinGen allele CA397724756.

ClinVar aggregate classification (germline): Conflicting classifications of pathogenicity. Review status: criteria provided, conflicting classifications (1 of 4 stars). 4 submissions from 4 submitters: Likely pathogenic (3); Uncertain significance (1). Last evaluated 2024-03-15.

Conditions:
Very long chain acyl-CoA dehydrogenase deficiency (ACADVLD). Also called: Very Long-Chain Acyl-Coenzyme A Dehydrogenase Deficiency; VLCAD Deficiency. Identifiers: Orphanet 26793, MedGen C3887523, MONDO:0008723, OMIM 201475.
ACADVL-related disorder. Also called: ACADVL-related condition.

Allele frequency attached by ClinVar (database versions not stated): TOPMed 0.00001.
gnomAD v4.1: 1 of 1,614,168 alleles (0.000062%); no homozygotes.

Submissions (4):

Blueprint Genetics
Classification: Likely pathogenic for ACADVL-related disorders. Last evaluated: 2024-03-15. Review status: criteria provided, single submitter. Criteria: ACMG Guidelines, 2015. Collection method: clinical testing. Allele origin: germline. Affected: yes. Observed: 1 variant allele.

Labcorp Genetics (formerly Invitae), Labcorp
Classification: Likely pathogenic for Very long chain acyl-CoA dehydrogenase deficiency. Last evaluated: 2023-11-14. Review status: criteria provided, single submitter. Criteria: Invitae Variant Classification Sherloc (09022015). Collection method: clinical testing. Allele origin: germline.
Comment: This sequence change replaces alanine, which is neutral and non-polar, with threonine, which is neutral and polar, at codon 426 of the ACADVL protein (p.Ala426Thr). This variant is not present in population databases (gnomAD no frequency). This missense change has been observed in individual(s) with clinical features of very long chain acyl-CoA dehydrogenase deficiency (PMID: 30950014, 34704412). ClinVar contains an entry for this variant (Variation ID: 660045). Advanced modeling of protein sequence and biophysical properties (such as structural, functional, and spatial information, amino acid conservation, physicochemical variation, residue mobility, and thermodynamic stability) performed at Invitae indicates that this missense variant is expected to disrupt ACADVL protein function with a positive predictive value of 95%. Experimental studies have shown that this missense change affects ACADVL function (PMID: 33150772). In summary, the currently available evidence indicates that the variant is pathogenic, but additional data are needed to prove that conclusively. Therefore, this variant has been classified as Likely Pathogenic.

Baylor Genetics
Classification: Likely pathogenic for Very long chain acyl-CoA dehydrogenase deficiency. Last evaluated: 2023-09-19. Review status: criteria provided, single submitter. Criteria: ACMG Guidelines, 2015. Collection method: clinical testing. Allele origin: unknown.

Wong Mito Lab, Molecular and Human Genetics, Baylor College of Medicine
Classification: Uncertain significance for Very long chain acyl-CoA dehydrogenase deficiency. Last evaluated: 2019-11-01. Review status: criteria provided, single submitter. Criteria: ACMG Guidelines, 2015. Collection method: clinical testing. Allele origin: germline.
Comment: The NM_000018.3:c.1276G>A (NP_000009.1:p.Ala426Thr) [GRCH38: NC_000017.11:g.7223819G>A] variant in ACADVL gene is interpretated to be Uncertain Significance based on ACMG guidelines (PMID: 25741868). This variant has been reported. This variant meets the following evidence codes reported in the ACMG guidelines: PM1, PP3

Literature cited by the submitters: PubMed 30950014 (cited by Labcorp Genetics (formerly Invitae), Labcorp); PubMed 34704412 (cited by Labcorp Genetics (formerly Invitae), Labcorp); PubMed 33150772 (cited by Labcorp Genetics (formerly Invitae), Labcorp).